The following is an entry in ClinVar:

NM_000368.5(TSC1):c.1211A>T (p.Asp404Val)

Gene: TSC1 (TSC complex subunit 1; minus strand). Cytogenetic location: 9q34.13.
Variant type: single nucleotide variant.
Coding change: c.1211A>T on transcript NM_000368.5 (MANE Select); coding-DNA position 1211, A replaced by T.
Protein change: p.Asp404Val; replaces aspartic acid 404 with valine.
Molecular consequence: missense variant.
Genome position (GRCh38, 1-based): chr9:132,910,623, T>A on the plus strand (A>T on the coding strand, the complement: TSC1 is on the minus strand). VCF-style: chr9-132910623-T-A. GRCh37 (hg19) VCF-style: chr9-135786010-T-A.
Other names: c.1208A>T, p.Asp403Val (NM_001162426.2); c.1058A>T, p.Asp353Val (NM_001162427.2); c.848A>T, p.Asp283Val (NM_001362177.2); short protein forms D404V, D353V, D283V, D403V.
Identifiers: ClinVar variation 534455 (VCV000534455.14), dbSNP rs1554817130, ClinGen allele CA375366933.

ClinVar aggregate classification (germline): Uncertain significance. Review status: criteria provided, multiple submitters, no conflicts (2 of 4 stars). 5 submissions from 5 submitters: Uncertain significance (5). Last evaluated 2025-11-06.

Conditions:
Tuberous sclerosis syndrome (TSC). Also called: Tuberous Sclerosis Complex; Tuberous sclerosis. Identifiers: Orphanet 805, MedGen C0041341, MONDO:0001734.
Tuberous sclerosis 1 (TSC1). Identifiers: Orphanet 805, MedGen C1854465, MONDO:0008612, OMIM 191100.
Hereditary cancer-predisposing syndrome. Also called: Neoplastic Syndromes, Hereditary; Hereditary neoplastic syndrome; Tumor predisposition; Hereditary Cancer Syndrome. Identifiers: Orphanet 140162, MedGen C0027672, MeSH D009386, MONDO:0015356.

Submissions (5):

Labcorp Genetics (formerly Invitae), Labcorp
Classification: Uncertain significance for Tuberous sclerosis 1. Last evaluated: 2025-11-06. Review status: criteria provided, single submitter. Criteria: Invitae Variant Classification Sherloc (09022015). Collection method: clinical testing. Allele origin: germline.
Comment: This sequence change replaces aspartic acid, which is acidic and polar, with valine, which is neutral and non-polar, at codon 404 of the TSC1 protein (p.Asp404Val). This variant is not present in population databases (gnomAD no frequency). This variant has not been reported in the literature in individuals affected with TSC1-related conditions. ClinVar contains an entry for this variant (Variation ID: 534455). Invitae Evidence Modeling of protein sequence and biophysical properties (such as structural, functional, and spatial information, amino acid conservation, physicochemical variation, residue mobility, and thermodynamic stability) indicates that this missense variant is not expected to disrupt TSC1 protein function with a negative predictive value of 95%. Algorithms developed to predict the effect of sequence changes on RNA splicing suggest that this variant may disrupt the consensus splice site. In summary, the available evidence is currently insufficient to determine the role of this variant in disease. Therefore, it has been classified as a Variant of Uncertain Significance.

Ambry Genetics
Classification: Uncertain significance for Hereditary cancer-predisposing syndrome. Last evaluated: 2024-05-31. Review status: criteria provided, single submitter. Criteria: Ambry Variant Classification Scheme 2023. Collection method: clinical testing. Allele origin: germline.
Comment: The p.D404V variant (also known as c.1211A>T), located in coding exon 10 of the TSC1 gene, results from an A to T substitution at nucleotide position 1211. The aspartic acid at codon 404 is replaced by valine, an amino acid with highly dissimilar properties. This amino acid position is conserved. In addition, the in silico prediction for this alteration is inconclusive. Since supporting evidence is limited at this time, the clinical significance of this alteration remains unclear.

All of Us Research Program, National Institutes of Health
Classification: Uncertain significance for Tuberous sclerosis syndrome. Last evaluated: 2023-11-02. Review status: criteria provided, single submitter. Criteria: ACMG Guidelines, 2015. Collection method: clinical testing. Allele origin: germline. Inheritance: Autosomal dominant inheritance. Observed: 1 variant allele, 1 heterozygote.
Comment: This missense variant replaces aspartic acid with valine at codon 404 of the TSC1 protein. Computational prediction is inconclusive regarding the impact of this variant on protein structure and function (internally defined REVEL score threshold 0.5 < inconclusive < 0.7, PMID: 27666373). To our knowledge, functional studies have not been reported for this variant. This variant has not been reported in individuals affected with TSC1-related disorders in the literature. This variant has not been identified in the general population by the Genome Aggregation Database (gnomAD). The available evidence is insufficient to determine the role of this variant in disease conclusively. Therefore, this variant is classified as a Variant of Uncertain Significance.

This study involves interpretation of variants in research participants for the purpose of population health screening. Participant phenotype was not available at the time of variant classification. Additional details can be found in publication PMID: 35346344, PMCID: PMC8962531

Color Diagnostics, LLC DBA Color Health
Classification: Uncertain significance for Tuberous sclerosis syndrome. Last evaluated: 2023-10-18. Review status: criteria provided, single submitter. Criteria: ACMG Guidelines, 2015. Collection method: clinical testing. Allele origin: germline.
Comment: This missense variant replaces aspartic acid with valine at codon 404 of the TSC1 protein. Computational prediction is inconclusive regarding the impact of this variant on protein structure and function. To our knowledge, functional studies have not been reported for this variant. This variant has not been reported in individuals affected with TSC1-related disorders in the literature. This variant has not been identified in the general population by the Genome Aggregation Database (gnomAD). The available evidence is insufficient to determine the role of this variant in disease conclusively. Therefore, this variant is classified as a Variant of Uncertain Significance.

GeneDx
Classification: Uncertain significance. Last evaluated: 2023-09-20. Review status: criteria provided, single submitter. Criteria: GeneDx Variant Classification Process June 2021. Collection method: clinical testing. Allele origin: germline. Affected: yes.
Comment: Not observed at significant frequency in large population cohorts (gnomAD); In silico analysis supports that this missense variant does not alter protein structure/function; Has not been previously published as pathogenic or benign to our knowledge